The following is an entry in ClinVar:

ClinVar aggregate classification (germline): Benign/Likely benign. Review status: criteria provided, multiple submitters, no conflicts (2 of 4 stars). 2 submissions from 2 submitters: Benign (1); Likely benign (1). Last evaluated 2025-01-02.

Conditions:
Lynch syndrome 5 (LYNCH5). Also called: Colorectal cancer, hereditary nonpolyposis, type 5; Hereditary non-polyposis colorectal cancer, type 5. Identifiers: Orphanet 144, MedGen C1833477, MONDO:0013710, OMIM 614350. Disease mechanism: loss of function.
Hereditary cancer-predisposing syndrome. Also called: Neoplastic Syndromes, Hereditary; Tumor predisposition; Hereditary neoplastic syndrome; Hereditary Cancer Syndrome. Identifiers: Orphanet 140162, MedGen C0027672, MeSH D009386, MONDO:0015356.

gnomAD v4.1: 2 of 1,582,744 alleles (0.00013%); highest among the groups gnomAD compares: Non-Finnish European, 0.00017%; no homozygotes.

Submissions (2):

Myriad Genetics, Inc.
Classification: Benign for Lynch syndrome 5. Last evaluated: 2025-01-02. Review status: criteria provided, single submitter. Criteria: Myriad Autosomal Dominant, Autosomal Recessive and X-Linked Classification Criteria (2023). Collection method: clinical testing. Allele origin: unknown.
Comment: This variant is considered benign. This variant is a silent/synonymous amino acid change and it is not expected to impact splicing.

Ambry Genetics
Classification: Likely benign for Hereditary cancer-predisposing syndrome. Last evaluated: 2022-11-23. Review status: criteria provided, single submitter. Criteria: Ambry Variant Classification Scheme 2023. Collection method: clinical testing. Allele origin: germline.

NM_000179.3(MSH6):c.2931C>T (p.Tyr977=)

Gene: MSH6 (mutS homolog 6; plus strand). Cytogenetic location: 2p16.3.
Variant type: single nucleotide variant.
Coding change: c.2931C>T on transcript NM_000179.3 (MANE Select); coding-DNA position 2931, C replaced by T.
Protein change: p.Tyr977=; no amino-acid change (tyrosine 977 retained).
Molecular consequence: synonymous variant. On other transcripts: non-coding transcript variant (5), intron variant (2).
Genome position (GRCh38, 1-based): chr2:47,800,914, C>T. VCF-style: chr2-47800914-C-T. GRCh37 (hg19) VCF-style: chr2-48028053-C-T.
Other names: c.2541C>T, p.Tyr847= (NM_001281492.2); c.2025C>T, p.Tyr675= (NM_001281493.2, NM_001281494.2, NM_001406811.1 and 6 more transcripts); c.3027C>T, p.Tyr1009= (NM_001406795.1, NM_001406802.1); c.2931C>T, p.Tyr977= (NM_001406796.1, NM_001406798.1, NM_001406800.1 and 2 more transcripts); c.2634C>T, p.Tyr878= (NM_001406797.1, NM_001406801.1, NM_001406805.1 and 10 more transcripts); c.2406C>T, p.Tyr802= (NM_001406799.1, NM_001406806.1, NM_001406807.1); c.2853C>T, p.Tyr951= (NM_001406804.1); c.2937C>T, p.Tyr979= (NM_001406813.1); and 4 more.
Identifiers: ClinVar variation 2453164 (VCV002453164.3), dbSNP rs63750111, ClinGen allele CA426122054.